The following is an entry in ClinVar:

ClinVar aggregate classification (germline): Uncertain significance. Review status: criteria provided, multiple submitters, no conflicts (2 of 4 stars). 2 submissions from 2 submitters: Uncertain significance (2). Last evaluated 2024-11-24.

Conditions:
Cardiovascular phenotype. Identifiers: MedGen CN230736.

Allele frequency attached by ClinVar (database versions not stated): gnomAD exomes below 0.00001; ExAC 0.00001; gnomAD 0.00002; TOPMed 0.00002.
gnomAD v4.1: 9 of 1,614,080 alleles (0.00056%); highest among the groups gnomAD compares: African/African-American, 0.011%; no homozygotes.

Submissions (2):

Ambry Genetics
Classification: Uncertain significance for Cardiovascular phenotype. Last evaluated: 2024-11-24. Review status: criteria provided, single submitter. Criteria: Ambry Variant Classification Scheme 2023. Collection method: clinical testing. Allele origin: germline.

Labcorp Genetics (formerly Invitae), Labcorp
Classification: Uncertain significance. Last evaluated: 2022-08-16. Review status: criteria provided, single submitter. Criteria: Invitae Variant Classification Sherloc (09022015). Collection method: clinical testing. Allele origin: germline.
Comment: Algorithms developed to predict the effect of missense changes on protein structure and function are either unavailable or do not agree on the potential impact of this missense change (SIFT: "Tolerated"; PolyPhen-2: "Probably Damaging"; Align-GVGD: "Class C0"). In summary, the available evidence is currently insufficient to determine the role of this variant in disease. Therefore, it has been classified as a Variant of Uncertain Significance. This variant has not been reported in the literature in individuals affected with ABCG8-related conditions. This sequence change replaces alanine, which is neutral and non-polar, with threonine, which is neutral and polar, at codon 248 of the ABCG8 protein (p.Ala248Thr). This variant is present in population databases (rs758262474, gnomAD 0.008%).

NM_022437.3(ABCG8):c.742G>A (p.Ala248Thr)

Gene: ABCG8 (ATP binding cassette subfamily G member 8; plus strand). Cytogenetic location: 2p21.
Variant type: single nucleotide variant.
Coding change: c.742G>A on transcript NM_022437.3 (MANE Select); coding-DNA position 742, G replaced by A.
Protein change: p.Ala248Thr; replaces alanine 248 with threonine.
Molecular consequence: missense variant.
Genome position (GRCh38, 1-based): chr2:43,852,646, G>A. VCF-style: chr2-43852646-G-A. GRCh37 (hg19) VCF-style: chr2-44079785-G-A.
Other names: c.742G>A, p.Ala248Thr (NM_001357321.2); c.742G>A (NM_022437.2); short protein forms A248T.
Identifiers: ClinVar variation 2146175 (VCV002146175.7), dbSNP rs758262474, ClinGen allele CA1637162.